The following is an entry in ClinVar:

ClinVar aggregate classification (germline): Conflicting classifications of pathogenicity. Review status: criteria provided, conflicting classifications (1 of 4 stars). 4 submissions from 4 submitters: Likely pathogenic (1); Uncertain significance (3). Last evaluated 2025-05-17.

Conditions:
Inborn genetic diseases. Identifiers: MedGen C0950123, MeSH D030342.
VAC14-related disorder. Also called: VAC14-related condition.

Allele frequency attached by ClinVar (database versions not stated): TOPMed below 0.00001; ExAC 0.00001; gnomAD exomes 0.00002.
gnomAD v4.1: 26 of 1,614,150 alleles (0.0016%); highest among the groups gnomAD compares: Middle Eastern, 0.016%; no homozygotes.

Submissions (4):

Ambry Genetics
Classification: Uncertain significance for Inborn genetic diseases. Last evaluated: 2025-05-17. Review status: criteria provided, single submitter. Criteria: Ambry Variant Classification Scheme 2023. Collection method: clinical testing. Allele origin: germline.

Blueprint Genetics
Classification: Likely pathogenic for VAC14-related disorders. Last evaluated: 2024-09-02. Review status: criteria provided, single submitter. Criteria: ACMG Guidelines, 2015. Collection method: clinical testing. Allele origin: germline. Affected: yes. Observed: 4 variant alleles.

GeneDx
Classification: Uncertain significance. Last evaluated: 2023-05-31. Review status: criteria provided, single submitter. Criteria: GeneDx Variant Classification Process June 2021. Collection method: clinical testing. Allele origin: germline. Affected: yes.
Comment: Not observed at a significant frequency in large population cohorts (gnomAD); In silico analysis supports that this missense variant has a deleterious effect on protein structure/function; Has not been previously published as pathogenic or benign to our knowledge

Labcorp Genetics (formerly Invitae), Labcorp
Classification: Uncertain significance. Last evaluated: 2022-04-09. Review status: criteria provided, single submitter. Criteria: Invitae Variant Classification Sherloc (09022015). Collection method: clinical testing. Allele origin: germline.
Comment: In summary, the available evidence is currently insufficient to determine the role of this variant in disease. Therefore, it has been classified as a Variant of Uncertain Significance. This sequence change replaces arginine, which is basic and polar, with glutamine, which is neutral and polar, at codon 181 of the VAC14 protein (p.Arg181Gln). This variant is present in population databases (rs768468189, gnomAD 0.003%). This variant has not been reported in the literature in individuals affected with VAC14-related conditions. Algorithms developed to predict the effect of missense changes on protein structure and function are either unavailable or do not agree on the potential impact of this missense change (SIFT: "Tolerated"; PolyPhen-2: "Probably Damaging"; Align-GVGD: "Class C0").

NM_018052.5(VAC14):c.542G>A (p.Arg181Gln)

Gene: VAC14 (VAC14 component of PIKFYVE complex; minus strand). Cytogenetic location: 16q22.1.
Variant type: single nucleotide variant.
Coding change: c.542G>A on transcript NM_018052.5 (MANE Select); coding-DNA position 542, G replaced by A.
Protein change: p.Arg181Gln; replaces arginine 181 with glutamine.
Molecular consequence: missense variant. On other transcripts: 5 prime UTR variant (1).
Genome position (GRCh38, 1-based): chr16:70,784,165, C>T on the plus strand (G>A on the coding strand, the complement: VAC14 is on the minus strand). VCF-style: chr16-70784165-C-T. GRCh37 (hg19) VCF-style: chr16-70818068-C-T.
Other names: c.-161G>A (NM_001351157.2); c.542G>A (NM_018052.3); short protein forms R181Q.
Identifiers: ClinVar variation 1990868 (VCV001990868.7), dbSNP rs768468189, ClinGen allele CA8148039.